The following is an entry in ClinVar:

ClinVar aggregate classification (germline): Uncertain significance. Review status: criteria provided, multiple submitters, no conflicts (2 of 4 stars). 2 submissions from 2 submitters: Uncertain significance (2). Last evaluated 2024-04-14.

Conditions:
Dyskeratosis congenita. Identifiers: Orphanet 1775, MedGen C0265965, MONDO:0015780.
Cerebroretinal microangiopathy with calcifications and cysts 1 (CRMCC1). Identifiers: Orphanet 313838, MedGen C4552029, MONDO:0024564, OMIM 612199.

Allele frequency attached by ClinVar (database versions not stated): ExAC 0.00002; gnomAD 0.00002 and 0.00003; TOPMed 0.00003; gnomAD exomes 0.00004; ESP Exome Variant Server 0.00008.
gnomAD v4.1: 55 of 1,614,116 alleles (0.0034%); highest among the groups gnomAD compares: Non-Finnish European, 0.0044%; no homozygotes.

Submissions (2):

Fulgent Genetics
Classification: Uncertain significance for Cerebroretinal microangiopathy with calcifications and cysts 1. Last evaluated: 2024-04-14. Review status: criteria provided, single submitter. Criteria: ACMG Guidelines, 2015. Collection method: clinical testing. Allele origin: germline.

Labcorp Genetics (formerly Invitae), Labcorp
Classification: Uncertain significance for Dyskeratosis congenita. Last evaluated: 2022-12-03. Review status: criteria provided, single submitter. Criteria: Invitae Variant Classification Sherloc (09022015). Collection method: clinical testing. Allele origin: germline.
Comment: In summary, the available evidence is currently insufficient to determine the role of this variant in disease. Therefore, it has been classified as a Variant of Uncertain Significance. Algorithms developed to predict the effect of missense changes on protein structure and function output the following: SIFT: "Tolerated"; PolyPhen-2: "Benign"; Align-GVGD: "Class C0". The threonine amino acid residue is found in multiple mammalian species, which suggests that this missense change does not adversely affect protein function. ClinVar contains an entry for this variant (Variation ID: 936778). This variant has not been reported in the literature in individuals affected with CTC1-related conditions. This variant is present in population databases (rs376721027, gnomAD 0.008%). This sequence change replaces methionine, which is neutral and non-polar, with threonine, which is neutral and polar, at codon 336 of the CTC1 protein (p.Met336Thr).

NM_025099.6(CTC1):c.1007T>C (p.Met336Thr)

Gene: CTC1 (CST telomere replication complex component 1; minus strand). Cytogenetic location: 17p13.1.
Variant type: single nucleotide variant.
Coding change: c.1007T>C on transcript NM_025099.6 (MANE Select); coding-DNA position 1007, T replaced by C.
Protein change: p.Met336Thr; replaces methionine 336 with threonine.
Molecular consequence: missense variant. On other transcripts: non-coding transcript variant (1).
Genome position (GRCh38, 1-based): chr17:8,236,128, A>G on the plus strand (T>C on the coding strand, the complement: CTC1 is on the minus strand). VCF-style: chr17-8236128-A-G. GRCh37 (hg19) VCF-style: chr17-8139446-A-G.
Other names: short protein forms M336T.
Identifiers: ClinVar variation 936778 (VCV000936778.8), dbSNP rs376721027, ClinGen allele CA8372504.